The following is an entry in ClinVar:

NM_004260.4(RECQL4):c.973T>C (p.Ser325Pro)

Gene: RECQL4 (RecQ like helicase 4; minus strand). Cytogenetic location: 8q24.3.
Variant type: single nucleotide variant.
Coding change: c.973T>C on transcript NM_004260.4 (MANE Select); coding-DNA position 973, T replaced by C.
Protein change: p.Ser325Pro; replaces serine 325 with proline.
Molecular consequence: missense variant. On other transcripts: 5 prime UTR variant (16), non-coding transcript variant (3), intron variant (3).
Genome position (GRCh38, 1-based): chr8:144,516,146, A>G on the plus strand (T>C on the coding strand, the complement: RECQL4 is on the minus strand). VCF-style: chr8-144516146-A-G. GRCh37 (hg19) VCF-style: chr8-145741530-A-G.
Other names: c.973T>C, p.Ser325Pro (NM_001413018.1, NM_001413019.1, NM_001413033.1 and 2 more transcripts); c.-99T>C (NM_001413021.1, NM_001413022.1, NM_001413023.1 and 7 more transcripts); c.844T>C, p.Ser282Pro (NM_001413025.1); c.-161T>C (NM_001413027.1, NM_001413030.1, NM_001413031.1 and 2 more transcripts); c.622T>C, p.Ser208Pro (NM_001413029.1); c.-368T>C (NM_001413043.1); c.953+20T>C (NM_001413017.1, NM_001413020.1); c.-23+20T>C (NM_001413034.1); short protein forms S208P, S282P, S325P.
Identifiers: ClinVar variation 4705827 (VCV004705827.1).
Genomic context (GRCh38, chr8:144,516,146, plus strand): 5'-GCCGAGGGAAGATGTGCAGGGGGGCTGTGCCCTCAGCCTTCCCAGCCCTAGCTTGACTGG[A>G]GGGGCTGAGTCCGTGGTACCTGGGGTTCGATGGGCTGCTGCAGGGCTGAGGTGGCTGTGC-3'
Protein context (NP_004251.4, residues 315-335): SNPRYHGLSP[Ser325Pro]SQARAGKAEG

ClinVar aggregate classification (germline): Uncertain significance (1 of 4 stars; one submission).

Conditions:
Baller-Gerold syndrome (BGS). Also called: CRANIOSYNOSTOSIS WITH RADIAL DEFECTS. Identifiers: Orphanet 1225, MedGen C0265308, MONDO:0009039, OMIM 218600.

gnomAD v4.1: 5 of 1,613,188 alleles (0.00031%); highest among the groups gnomAD compares: Non-Finnish European, 0.00034%; no homozygotes.

Submission:

Labcorp Genetics (formerly Invitae), Labcorp
Classification: Uncertain significance for Baller-Gerold syndrome. Last evaluated: 2025-11-12. Review status: criteria provided, single submitter. Criteria: Invitae Variant Classification Sherloc (09022015). Collection method: clinical testing. Allele origin: germline.
Comment: This sequence change replaces serine, which is neutral and polar, with proline, which is neutral and non-polar, at codon 325 of the RECQL4 protein (p.Ser325Pro). This variant is present in population databases (no rsID available, gnomAD 0.0009%). This variant has not been reported in the literature in individuals affected with RECQL4-related conditions. An algorithm developed to predict the effect of missense changes on protein structure and function outputs the following: PolyPhen-2: "Not Available". The proline amino acid residue is found in multiple mammalian species, which suggests that this missense change does not adversely affect protein function. In summary, the available evidence is currently insufficient to determine the role of this variant in disease. Therefore, it has been classified as a Variant of Uncertain Significance.